The following is an entry in ClinVar:

ClinVar aggregate classification (germline): Conflicting classifications of pathogenicity. Review status: criteria provided, conflicting classifications (1 of 4 stars). 3 submissions from 3 submitters: Uncertain significance (1); Likely benign (2). Last evaluated 2024-11-27.

Conditions:
Congenital contractural arachnodactyly (CCA). Also called: BEALS SYNDROME; Beals-Hecht syndrome; Arthrogryposis, distal, type 9. Identifiers: Orphanet 115, MedGen C0220668, MONDO:0007363, OMIM 121050.

Allele frequency attached by ClinVar (database versions not stated): gnomAD 0.00001 and 0.00002; gnomAD exomes 0.00001; TOPMed 0.00002.
gnomAD v4.1: 22 of 1,613,978 alleles (0.0014%); highest among the groups gnomAD compares: Middle Eastern, 0.033%; no homozygotes.

Submissions (3):

Labcorp Genetics (formerly Invitae), Labcorp
Classification: Likely benign for Congenital contractural arachnodactyly. Last evaluated: 2024-11-27. Review status: criteria provided, single submitter. Criteria: Invitae Variant Classification Sherloc (09022015). Collection method: clinical testing. Allele origin: germline.

Women's Health and Genetics/Laboratory Corporation of America, LabCorp
Classification: Likely benign. Last evaluated: 2024-04-21. Review status: criteria provided, single submitter. Criteria: LabCorp Variant Classification Summary - May 2015. Collection method: clinical testing. Allele origin: germline.

Victorian Clinical Genetics Services, Murdoch Childrens Research Institute
Classification: Uncertain significance for Congenital contractural arachnodactyly. Last evaluated: 2020-10-19. Review status: criteria provided, single submitter. Criteria: ACMG Guidelines, 2015. Collection method: clinical testing. Allele origin: germline. Inheritance: Autosomal dominant inheritance.
Comment: Based on the classification scheme VCGS_Germline_v1.3.3, this variant is classified as 3C-VUS. Following criteria are met: 0102 - Loss of function is a known mechanism of disease in this gene and is associated with congenital contractural arachnodactyly (MIM#121050). (I) 0107 - This gene is associated with autosomal dominant disease. (I) 0218 - Non-coding variant without known or predicted effect. (I) 0251 - This variant is heterozygous. (I) 0302 - Variant is present in gnomAD (v3) <0.001 for a dominant condition (1 heterozygote, 0 homozygotes). (SP) 0506 - Abnormal splicing is not predicted and nucleotide is poorly conserved. (SB) 0705 - No comparable variants at the same nucleotide position have previous evidence for pathogenicity. (I) 0807 - This variant has no previous evidence of pathogenicity. It has been reported as likely benign in Global Variome shared LOVD, however no further information is available. (I) 0905 - No published segregation evidence has been identified for this variant. (I) 1007 - No published functional evidence has been identified for this variant. (I) 1208 - Inheritance information for this variant is not currently available in this individual. (I) Legend: (SP) - Supporting pathogenic, (I) - Information, (SB) - Supporting benign

NM_001999.4(FBN2):c.5800+10G>A

Gene: FBN2 (fibrillin 2; minus strand). Cytogenetic location: 5q23.3.
Variant type: single nucleotide variant.
Coding change: c.5800+10G>A on transcript NM_001999.4 (MANE Select); 10 bases into the intron after coding-DNA position 5800, G replaced by A.
Molecular consequence: intron variant.
Genome position (GRCh38, 1-based): chr5:128,304,947, C>T on the plus strand (G>A on the coding strand, the complement: FBN2 is on the minus strand). VCF-style: chr5-128304947-C-T. GRCh37 (hg19) VCF-style: chr5-127640639-C-T.
Identifiers: ClinVar variation 1126832 (VCV001126832.11), dbSNP rs546373462, ClinGen allele CA126983092.
Genomic context (GRCh38, chr5:128,304,947, plus strand): 5'-TTGATGGAACTGTGATCTGTTCTGGAACCCCAGCCCCACTTCACTCCCTGGAGCCACATG[C>T]CCTTCTTACCCATGCACATGGTCTGGTCCTGAGAAGCCTTAAAGCCATTGTGGCAGATGC-3'